The following is an entry in ClinVar:

ClinVar aggregate classification (germline): Likely benign. Review status: criteria provided, multiple submitters, no conflicts (2 of 4 stars). 3 submissions from 3 submitters: Likely benign (3). Last evaluated 2026-09-01.

Allele frequency attached by ClinVar (database versions not stated): 1000 Genomes Project 30x 0.00422; gnomAD 0.00438 and 0.00476; ExAC 0.02136.

Submissions (3):

CeGaT Center for Human Genetics Tuebingen
Classification: Likely benign. Last evaluated: 2026-09-01. Review status: criteria provided, single submitter. Criteria: CeGaT Center For Human Genetics Tuebingen Variant Classification Criteria Version 2. Collection method: clinical testing. Allele origin: germline. Affected: yes. Observed: 91 variant alleles.
Comment: CACNA1B: PP3, BS1

Blueprint Genetics
Classification: Likely benign. Last evaluated: 2024-11-27. Review status: criteria provided, single submitter. Criteria: ACMG Guidelines, 2015. Collection method: clinical testing. Allele origin: germline.

GeneDx
Classification: Likely benign. Last evaluated: 2021-04-29. Review status: criteria provided, single submitter. Criteria: GeneDx Variant Classification Process June 2021. Collection method: clinical testing. Allele origin: germline. Affected: yes.

NM_000718.4(CACNA1B):c.92G>T (p.Gly31Val)

Genes: CACNA1B (calcium voltage-gated channel subunit alpha1 B; plus strand), CACNA1B-AS2 (CACNA1B antisense RNA 2; minus strand). Cytogenetic location: 9q34.3.
Variant type: single nucleotide variant.
Coding change: c.92G>T on transcript NM_000718.4 (MANE Select); coding-DNA position 92, G replaced by T.
Protein change: p.Gly31Val; replaces glycine 31 with valine.
Molecular consequence: missense variant.
Genome position (GRCh38, 1-based): chr9:137,878,025, G>T. VCF-style: chr9-137878025-G-T. GRCh37 (hg19) VCF-style: chr9-140772477-G-T.
Other names: c.92G>T, p.Gly31Val (NM_001243812.2); short protein forms G31V.
Identifiers: ClinVar variation 1317163 (VCV001317163.34), dbSNP rs201253748, ClinGen allele CA5375613.